The following is an entry in ClinVar:

ClinVar aggregate classification (germline): Uncertain significance. Review status: criteria provided, multiple submitters, no conflicts (2 of 4 stars). 3 submissions from 3 submitters: Uncertain significance (3). Last evaluated 2023-11-23.

Conditions:
Hereditary cancer-predisposing syndrome. Also called: Hereditary neoplastic syndrome; Hereditary Cancer Syndrome; Neoplastic Syndromes, Hereditary; Tumor predisposition. Identifiers: Orphanet 140162, MedGen C0027672, MeSH D009386, MONDO:0015356.
Aplastic anemia. Identifiers: Orphanet 182040, Orphanet 88, MedGen C0002874, MONDO:0015909, OMIM 609135, HP:0001915.
Microcephaly, normal intelligence and immunodeficiency (NBS). Also called: Nijmegen breakage syndrome; SEEMANOVA SYNDROME II; IMMUNODEFICIENCY, MICROCEPHALY, AND CHROMOSOMAL INSTABILITY; Immunodeficiency, microcephaly with normal intelligence; Ataxia telangiectasia variant V1; Microcephaly with normal intelligence immunodeficiency and lymphoreticular malignancies. Identifiers: Orphanet 647, MedGen C0398791, MONDO:0009623, OMIM 251260.

Submissions (3):

Baylor Genetics
Classification: Uncertain significance for Aplastic anemia. Last evaluated: 2023-11-23. Review status: criteria provided, single submitter. Criteria: ACMG Guidelines, 2015. Collection method: clinical testing. Allele origin: unknown.

Labcorp Genetics (formerly Invitae), Labcorp
Classification: Uncertain significance for Microcephaly, normal intelligence and immunodeficiency. Last evaluated: 2023-06-20. Review status: criteria provided, single submitter. Criteria: Invitae Variant Classification Sherloc (09022015). Collection method: clinical testing. Allele origin: germline.
Comment: This sequence change replaces glycine, which is neutral and non-polar, with serine, which is neutral and polar, at codon 9 of the NBN protein (p.Gly9Ser). This variant is not present in population databases (gnomAD no frequency). This variant has not been reported in the literature in individuals affected with NBN-related conditions. ClinVar contains an entry for this variant (Variation ID: 1371879). Algorithms developed to predict the effect of missense changes on protein structure and function output the following: SIFT: "Not Available"; PolyPhen-2: "Benign"; Align-GVGD: "Not Available". The serine amino acid residue is found in multiple mammalian species, which suggests that this missense change does not adversely affect protein function. In summary, the available evidence is currently insufficient to determine the role of this variant in disease. Therefore, it has been classified as a Variant of Uncertain Significance.

Ambry Genetics
Classification: Uncertain significance for Hereditary cancer-predisposing syndrome. Last evaluated: 2023-02-28. Review status: criteria provided, single submitter. Criteria: Ambry Variant Classification Scheme 2023. Collection method: clinical testing. Allele origin: germline.
Comment: The p.G9S variant (also known as c.25G>A), located in coding exon 1 of the NBN gene, results from a G to A substitution at nucleotide position 25. The glycine at codon 9 is replaced by serine, an amino acid with similar properties. This amino acid position is well conserved in available vertebrate species. In addition, this alteration is predicted to be tolerated by in silico analysis. Since supporting evidence is limited at this time, the clinical significance of this alteration remains unclear.

NM_002485.5(NBN):c.25G>A (p.Gly9Ser)

Gene: NBN (nibrin; minus strand). Cytogenetic location: 8q21.3.
Variant type: single nucleotide variant.
Coding change: c.25G>A on transcript NM_002485.5 (MANE Select); coding-DNA position 25, G replaced by A.
Protein change: p.Gly9Ser; replaces glycine 9 with serine.
Molecular consequence: missense variant. On other transcripts: 5 prime UTR variant (1).
Genome position (GRCh38, 1-based): chr8:89,984,537, C>T on the plus strand (G>A on the coding strand, the complement: NBN is on the minus strand). VCF-style: chr8-89984537-C-T. GRCh37 (hg19) VCF-style: chr8-90996765-C-T.
Other names: c.-272G>A (NM_001024688.3); c.25G>A (NM_002485.4); short protein forms G9S.
Identifiers: ClinVar variation 1371879 (VCV001371879.8), dbSNP rs2129938127, ClinGen allele CA371664161.